The following is an entry in ClinVar:

NM_206933.4(USH2A):c.12253dup (p.Leu4085fs)

Gene: USH2A (usherin; minus strand). Cytogenetic location: 1q41.
Variant type: Duplication.
Coding change: c.12253dup on transcript NM_206933.4 (MANE Select); coding-DNA position 12253, one base duplicated (C; older notation c.12253dupC).
Protein change: p.Leu4085fs; shifts the reading frame from leucine 4085.
Molecular consequence: frameshift variant.
Genome position (GRCh38, 1-based): chr1:215,680,190, G duplicated on the plus strand (C on the coding strand, the reverse complement: USH2A is on the minus strand). VCF-style (leftmost placement, unchanged base first): chr1-215680189-A-AG. GRCh37 (hg19) VCF-style: chr1-215853531-A-AG.
Other names: short protein forms L4085fs.
Identifiers: ClinVar variation 2865206 (VCV002865206.3), dbSNP rs2464914594, ClinGen allele CA2739275679.
Genomic context (GRCh38, chr1:215,680,189, plus strand): 5'-TTATGCAGGGTAGACATTACCTTAATCACACCATTGGTTCTCATAGGTTCTGACCACTGT[A>AG]GTAGCAATGCCCGGCCATTCTCTTTCTGTTCTACTATAAAGTTTCTCAGTCCACTTGGGG-3'

ClinVar aggregate classification (germline): Pathogenic (1 of 4 stars; one submission).

Submission:

Labcorp Genetics (formerly Invitae), Labcorp
Classification: Pathogenic. Last evaluated: 2023-05-17. Review status: criteria provided, single submitter. Criteria: Invitae Variant Classification Sherloc (09022015). Collection method: clinical testing. Allele origin: germline.
Comment: For these reasons, this variant has been classified as Pathogenic. This variant has not been reported in the literature in individuals affected with USH2A-related conditions. This variant is not present in population databases (gnomAD no frequency). This sequence change creates a premature translational stop signal (p.Leu4085Profs*14) in the USH2A gene. It is expected to result in an absent or disrupted protein product. Loss-of-function variants in USH2A are known to be pathogenic (PMID: 10729113, 10909849, 20507924, 25649381).

Literature cited by the submitters: PubMed 10729113; PubMed 10909849; PubMed 20507924; PubMed 25649381.